The following is an entry in ClinVar:

NM_006440.5(TXNRD2):c.335A>G (p.Asn112Ser)

Gene: TXNRD2 (thioredoxin reductase 2; minus strand). Cytogenetic location: 22q11.21.
Variant type: single nucleotide variant.
Coding change: c.335A>G on transcript NM_006440.5 (MANE Select); coding-DNA position 335, A replaced by G.
Protein change: p.Asn112Ser; replaces asparagine 112 with serine.
Molecular consequence: missense variant. On other transcripts: non-coding transcript variant (1).
Genome position (GRCh38, 1-based): chr22:19,918,899, T>C on the plus strand (A>G on the coding strand, the complement: TXNRD2 is on the minus strand). VCF-style: chr22-19918899-T-C. GRCh37 (hg19) VCF-style: chr22-19906422-T-C.
Other names: c.335A>G, p.Asn112Ser (NM_001282512.3); c.332A>G, p.Asn111Ser (NM_001352300.2); c.245A>G, p.Asn82Ser (NM_001352301.2); c.47A>G, p.Asn16Ser (NM_001352302.2); c.239A>G, p.Asn80Ser (NM_001352303.2); short protein forms N82S, N111S, N112S, N80S, N16S.
Identifiers: ClinVar variation 1730579 (VCV001730579.5), dbSNP rs758941896, ClinGen allele CA10104261.
Genomic context (GRCh38, chr22:19,918,899, plus strand): 5'-GCCACGGCGCCAGATCCTTACCAGTCATGCGGCACGGGCTGGGCCACCTCCCAGCCATAG[T>C]TGGGGGCATCTTGGATCAGGCCTCCCAGCAGTGCCGCCTGGTGCATCAGCTTCTTGGGGA-3'
Protein context (NP_006431.2, residues 102-122): LLGGLIQDAP[Asn112Ser]YGWEVAQPVP

ClinVar aggregate classification (germline): Uncertain significance. Review status: criteria provided, multiple submitters, no conflicts (2 of 4 stars). 2 submissions from 2 submitters: Uncertain significance (2). Last evaluated 2025-01-15.

Conditions:
Primary dilated cardiomyopathy (DCM). Also called: Dilated Cardiomyopathy. Identifiers: Orphanet 217604, MedGen C0007193, MeSH D002311, MONDO:0005021, HP:0001644. Inheritance: Various modes of inheritance.
Cardiovascular phenotype. Identifiers: MedGen CN230736.

Allele frequency attached by ClinVar (database versions not stated): gnomAD exomes below 0.00001; ExAC 0.00001.
gnomAD v4.1: 5 of 1,612,538 alleles (0.00031%); highest among the groups gnomAD compares: South Asian, 0.0044%; no homozygotes.

Submissions (2):

Labcorp Genetics (formerly Invitae), Labcorp
Classification: Uncertain significance for Primary dilated cardiomyopathy. Last evaluated: 2025-01-15. Review status: criteria provided, single submitter. Criteria: Invitae Variant Classification Sherloc (09022015). Collection method: clinical testing. Allele origin: germline.
Comment: This sequence change replaces asparagine, which is neutral and polar, with serine, which is neutral and polar, at codon 112 of the TXNRD2 protein (p.Asn112Ser). This variant is present in population databases (rs758941896, gnomAD 0.003%). This variant has not been reported in the literature in individuals affected with TXNRD2-related conditions. ClinVar contains an entry for this variant (Variation ID: 1730579). Invitae Evidence Modeling of protein sequence and biophysical properties (such as structural, functional, and spatial information, amino acid conservation, physicochemical variation, residue mobility, and thermodynamic stability) indicates that this missense variant is not expected to disrupt TXNRD2 protein function with a negative predictive value of 80%. In summary, the available evidence is currently insufficient to determine the role of this variant in disease. Therefore, it has been classified as a Variant of Uncertain Significance.

Ambry Genetics
Classification: Uncertain significance for Cardiovascular phenotype. Last evaluated: 2021-09-26. Review status: criteria provided, single submitter. Criteria: Ambry Variant Classification Scheme 2023. Collection method: clinical testing. Allele origin: germline.
Comment: The p.N112S variant (also known as c.335A>G), located in coding exon 4 of the TXNRD2 gene, results from an A to G substitution at nucleotide position 335. The asparagine at codon 112 is replaced by serine, an amino acid with highly similar properties. This amino acid position is conserved. In addition, this alteration is predicted to be tolerated by in silico analysis. Since supporting evidence is limited at this time, the clinical significance of this alteration remains unclear.